The following is an entry in ClinVar:

NM_144701.3(IL23R):c.1675A>C (p.Ser559Arg)

Gene: IL23R (interleukin 23 receptor; plus strand). Cytogenetic location: 1p31.3.
Variant type: single nucleotide variant.
Coding change: c.1675A>C on transcript NM_144701.3 (MANE Select); coding-DNA position 1675, A replaced by C.
Protein change: p.Ser559Arg; replaces serine 559 with arginine.
Molecular consequence: missense variant.
Genome position (GRCh38, 1-based): chr1:67,258,913, A>C. VCF-style: chr1-67258913-A-C. GRCh37 (hg19) VCF-style: chr1-67724596-A-C.
Other names: short protein forms S559R.
Identifiers: ClinVar variation 1345358 (VCV001345358.8), dbSNP rs564574754, ClinGen allele CA900044.

ClinVar aggregate classification (germline): Uncertain significance (1 of 4 stars; one submission).

Allele frequency attached by ClinVar (database versions not stated): gnomAD 0.00001 and 0.00005; TOPMed 0.00001; gnomAD exomes 0.00009 and 0.00020; ExAC 0.00026; 1000 Genomes Project 30x 0.00047; 1000 Genomes Project 0.00060.
gnomAD v4.1: 132 of 1,613,288 alleles (0.0082%); highest among the groups gnomAD compares: South Asian, 0.14%; 2 homozygotes.

Submission:

Labcorp Genetics (formerly Invitae), Labcorp
Classification: Uncertain significance. Last evaluated: 2025-09-02. Review status: criteria provided, single submitter. Criteria: Invitae Variant Classification Sherloc (09022015). Collection method: clinical testing. Allele origin: germline.
Comment: This sequence change replaces serine, which is neutral and polar, with arginine, which is basic and polar, at codon 559 of the IL23R protein (p.Ser559Arg). This variant is present in population databases (rs564574754, gnomAD 0.2%), and has an allele count higher than expected for a pathogenic variant. This variant has not been reported in the literature in individuals affected with IL23R-related conditions. ClinVar contains an entry for this variant (Variation ID: 1345358). An algorithm developed to predict the effect of missense changes on protein structure and function (PolyPhen-2) suggests that this variant is likely to be disruptive. Experimental studies have shown that this missense change does not substantially affect IL23R function (PMID: 30578351). In summary, the available evidence is currently insufficient to determine the role of this variant in disease. Therefore, it has been classified as a Variant of Uncertain Significance.

Literature cited by the submitters: PubMed 30578351.